The following is an entry in ClinVar:

ClinVar aggregate classification (germline): Uncertain significance (1 of 4 stars; one submission).

Conditions:
Cardiomyopathy (CMYO). Also called: Cardiomyopathies. Identifiers: Orphanet 167848, MedGen C0878544, MONDO:0004994, HP:0001638. Inheritance: Various modes of inheritance.

Submission:

Color Diagnostics, LLC DBA Color Health
Classification: Uncertain significance for Cardiomyopathy. Last evaluated: 2025-01-06. Review status: criteria provided, single submitter. Criteria: ACMG Guidelines, 2015. Collection method: clinical testing. Allele origin: germline.
Comment: This missense variant replaces alanine with glutamic acid at codon 862 of the MYH7 protein. Computational prediction suggests that this variant may not impact protein structure and function (internally defined REVEL score threshold <= 0.5, PMID: 27666373). To our knowledge, functional studies have not been reported for this variant. This variant has not been reported in individuals affected with MYH7-related disorders in the literature. This variant has not been identified in the general population by the Genome Aggregation Database (gnomAD). The available evidence is insufficient to determine the role of this variant in disease conclusively. Therefore, this variant is classified as a Variant of Uncertain Significance.

NM_000257.4(MYH7):c.2585C>A (p.Ala862Glu)

Genes: MYH7 (myosin heavy chain 7; minus strand), LOC126861898 (BRD4-independent group 4 enhancer GRCh37_chr14:23893609-23894808; plus strand). Cytogenetic location: 14q11.2.
Variant type: single nucleotide variant.
Coding change: c.2585C>A on transcript NM_000257.4 (MANE Select); coding-DNA position 2585, C replaced by A.
Protein change: p.Ala862Glu; replaces alanine 862 with glutamic acid.
Molecular consequence: missense variant.
Genome position (GRCh38, 1-based): chr14:23,424,863, G>T on the plus strand (C>A on the coding strand, the complement: MYH7 is on the minus strand). VCF-style: chr14-23424863-G-T. GRCh37 (hg19) VCF-style: chr14-23894072-G-T.
Other names: c.2585C>A, p.Ala862Glu (NM_001407004.1); short protein forms A862E.
Identifiers: ClinVar variation 3894199 (VCV003894199.1).
Genomic context (GRCh38, chr14:23,424,863, plus strand): 5'-TGCAGCAGGGACACCATCTTCTCCTCCAGCTCCTTGCGGCGAGCCTCGGACTTCTCTAGC[G>T]CCTCTTTGAGGCGTGTGAACTCCTCCTTCATGGAGGCCATCTCCTTCTCTCTTTCTGCAC-3'
Protein context (NP_000248.2, residues 852-872): MKEEFTRLKE[Ala862Glu]LEKSEARRKE